The following is an entry in ClinVar:

NM_006268.5(DPF2):c.260C>G (p.Pro87Arg)

Gene: DPF2 (double PHD fingers 2; plus strand). Cytogenetic location: 11q13.1.
Variant type: single nucleotide variant.
Coding change: c.260C>G on transcript NM_006268.5 (MANE Select); coding-DNA position 260, C replaced by G.
Protein change: p.Pro87Arg; replaces proline 87 with arginine.
Molecular consequence: missense variant.
Genome position (GRCh38, 1-based): chr11:65,341,032, C>G. VCF-style: chr11-65341032-C-G. GRCh37 (hg19) VCF-style: chr11-65108503-C-G.
Other names: c.260C>G, p.Pro87Arg (NM_001330308.2); c.260C>G (NM_006268.4); short protein forms P87R.
Identifiers: ClinVar variation 2165317 (VCV002165317.5), dbSNP rs763561629, ClinGen allele CA6095216.

ClinVar aggregate classification (germline): Uncertain significance. Review status: criteria provided, multiple submitters, no conflicts (2 of 4 stars). 2 submissions from 2 submitters: Uncertain significance (2). Last evaluated 2025-10-07.

Conditions:
Inborn genetic diseases. Identifiers: MedGen C0950123, MeSH D030342.

Allele frequency attached by ClinVar (database versions not stated): TOPMed below 0.00001; ExAC 0.00001; gnomAD exomes 0.00001.
gnomAD v4.1: 4 of 1,614,148 alleles (0.00025%); highest among the groups gnomAD compares: Admixed American, 0.0067%; no homozygotes.

Submissions (2):

Ambry Genetics
Classification: Uncertain significance for Inborn genetic diseases. Last evaluated: 2025-10-07. Review status: criteria provided, single submitter. Criteria: Ambry Variant Classification Scheme 2023. Collection method: clinical testing. Allele origin: germline.

Labcorp Genetics (formerly Invitae), Labcorp
Classification: Uncertain significance. Last evaluated: 2023-03-31. Review status: criteria provided, single submitter. Criteria: Invitae Variant Classification Sherloc (09022015). Collection method: clinical testing. Allele origin: germline.
Comment: In summary, the available evidence is currently insufficient to determine the role of this variant in disease. Therefore, it has been classified as a Variant of Uncertain Significance. An algorithm developed to predict the effect of missense changes on protein structure and function (PolyPhen-2) suggests that this variant is likely to be tolerated. This sequence change replaces proline, which is neutral and non-polar, with arginine, which is basic and polar, at codon 87 of the DPF2 protein (p.Pro87Arg). This variant is present in population databases (rs763561629, gnomAD 0.009%). This variant has not been reported in the literature in individuals affected with DPF2-related conditions. ClinVar contains an entry for this variant (Variation ID: 2165317).